The following is an entry in ClinVar:

NM_000392.5(ABCC2):c.1645G>A (p.Val549Ile)

Gene: ABCC2 (ATP binding cassette subfamily C member 2; plus strand). Cytogenetic location: 10q24.2.
Variant type: single nucleotide variant.
Coding change: c.1645G>A on transcript NM_000392.5 (MANE Select); coding-DNA position 1645, G replaced by A.
Protein change: p.Val549Ile; replaces valine 549 with isoleucine.
Molecular consequence: missense variant.
Genome position (GRCh38, 1-based): chr10:99,807,498, G>A. VCF-style: chr10-99807498-G-A. GRCh37 (hg19) VCF-style: chr10-101567255-G-A.
Other names: c.1645G>A (NM_000392.3); short protein forms V549I.
Identifiers: ClinVar variation 3358388 (VCV003358388.2).

ClinVar aggregate classification (germline): Likely benign. Review status: criteria provided, single submitter (1 of 4 stars). 2 submissions from 2 submitters: Likely benign (1). 1 of the submissions does not count toward it. Last evaluated 2025-09-26.

Conditions:
ABCC2-related disorder. Also called: ABCC2-related condition.
Inborn genetic diseases. Identifiers: MedGen C0950123, MeSH D030342.

gnomAD v4.1: 24 of 1,613,980 alleles (0.0015%); highest among the groups gnomAD compares: East Asian, 0.0045%; no homozygotes.

Submissions (2):

Ambry Genetics
Classification: Likely benign for Inborn genetic diseases. Last evaluated: 2025-09-26. Review status: criteria provided, single submitter. Criteria: Ambry Variant Classification Scheme 2023. Collection method: clinical testing. Allele origin: germline.

PreventionGenetics, part of Exact Sciences
Classification: Uncertain significance for ABCC2-related condition. Last evaluated: 2024-06-04. Review status: no assertion criteria provided. Collection method: clinical testing. Allele origin: germline. Not counted in ClinVar's aggregate classification.
Comment: The ABCC2 c.1645G>A variant is predicted to result in the amino acid substitution p.Val549Ile. To our knowledge, this variant has not been reported in the literature. This variant is reported in 0.0033% of alleles in individuals of South Asian descent in gnomAD. At this time, the clinical significance of this variant is uncertain due to the absence of conclusive functional and genetic evidence.